The following is an entry in ClinVar:

NM_001161529.1(CSF2RA):c.491G>A (p.Arg164Gln)

Gene: CSF2RA (colony stimulating factor 2 receptor subunit alpha; plus strand). Cytogenetic location: Xp22.33.
Variant type: single nucleotide variant.
Coding change: c.491G>A on transcript NM_001161529.1; coding-DNA position 491, G replaced by A.
Protein change: p.Arg164Gln; replaces arginine 164 with glutamine.
Molecular consequence: missense variant (on NM_172245.4). On other transcripts: non-coding transcript variant (1).
Genome position (GRCh38, 1-based): chrX:1,290,354, G>A. VCF-style: chrX-1290354-G-A. GRCh37 (hg19) VCF-style: chrX-1409247-G-A.
Other names: c.491G>A (NM_001161530.1); c.491G>A, p.Arg164Gln (NM_001161529.2, NM_001161530.2, NM_001161531.2 and 21 more transcripts); c.92G>A, p.Arg31Gln (NM_001161532.2); short protein forms R164Q, R31Q.
Identifiers: ClinVar variation 163003 (VCV000163003.19), dbSNP rs138964358, ClinGen allele CA175587.
Genomic context (GRCh38, chrX:1,290,354, plus strand): 5'-TTTGTTTTCCTGATTGCTCTCTGAGCACTTTCTAATCTTTCAGGAGAAGGAGGGAGATCC[G>A]GTGTCCTTATTACATACAAGACTCAGGAACCCATGTGGGATGTCACCTGGATAACCTGTC-3'

ClinVar aggregate classification (germline): Benign/Likely benign. Review status: criteria provided, multiple submitters, no conflicts (2 of 4 stars). 6 submissions from 6 submitters: Benign (2); Likely benign (2). 2 of the submissions do not count toward it. Last evaluated 2026-02-04.

Conditions:
Surfactant metabolism dysfunction, pulmonary, 4 (SMDP4). Also called: PAP DUE TO CSF2RA DEFICIENCY; PULMONARY ALVEOLAR PROTEINOSIS, CONGENITAL, 4; CSF2RA DEFICIENCY. Identifiers: Orphanet 264675, MedGen C2677877, MONDO:0010424, OMIM 300770.

Allele frequency attached by ClinVar (database versions not stated): 1000 Genomes Project 30x 0.00229; 1000 Genomes Project 0.00238; ExAC 0.00471; gnomAD exomes 0.00512; gnomAD 0.00514 and 0.00550; ESP Exome Variant Server 0.00554; TOPMed 0.00594.
gnomAD v4.1: 12,514 of 1,613,084 alleles (0.78%); highest among the groups gnomAD compares: Non-Finnish European, 0.94%; 71 homozygotes.

Submissions (6):

Labcorp Genetics (formerly Invitae), Labcorp
Classification: Benign for Surfactant metabolism dysfunction, pulmonary, 4. Last evaluated: 2026-02-04. Review status: criteria provided, single submitter. Criteria: Invitae Variant Classification Sherloc (09022015). Collection method: clinical testing. Allele origin: germline.

Blueprint Genetics
Classification: Likely benign. Last evaluated: 2024-11-28. Review status: criteria provided, single submitter. Criteria: ACMG Guidelines, 2015. Collection method: clinical testing. Allele origin: germline.

Johns Hopkins Genomics, Johns Hopkins University
Classification: Benign for Surfactant metabolism dysfunction, pulmonary, 4. Last evaluated: 2024-06-13. Review status: criteria provided, single submitter. Criteria: ACMG Guidelines, 2015. Collection method: clinical testing. Allele origin: germline.
Comment: BS1, BS2

Laboratory for Molecular Medicine, Mass General Brigham Personalized Medicine
Classification: Likely benign. Last evaluated: 2013-02-21. Review status: criteria provided, single submitter. Criteria: LMM Criteria. Collection method: clinical testing. Allele origin: germline. Observed: 2 variant alleles.
Comment: Arg164Gln in exon 8 of CSF2RA: This variant is not expected to have clinical sig nificance because it has been identified in 0.8% (66/8592) of European American chromosomes from a broad population by the NHLBI Exome Sequencing Project (dbSNP rs138964358).

Clinical Genetics DNA and cytogenetics Diagnostics Lab, Erasmus MC, Erasmus Medical Center
Classification: Likely benign. Review status: no assertion criteria provided. Collection method: clinical testing. Allele origin: germline. Affected: yes. Study: VKGL Data-share Consensus. Not counted in ClinVar's aggregate classification.

Genome Diagnostics Laboratory, University Medical Center Utrecht
Classification: Likely benign. Review status: no assertion criteria provided. Collection method: clinical testing. Allele origin: germline. Affected: yes. Study: VKGL Data-share Consensus. Not counted in ClinVar's aggregate classification.